The following is an entry in ClinVar:

ClinVar aggregate classification (germline): Likely pathogenic (1 of 4 stars; one submission).

Conditions:
Lymphatic malformation 7 (LMPHM7). Also called: Hydrops fetalis, nonimmune, and/or atrial septal defect, susceptibility to. Identifiers: MedGen C4310629, MONDO:0015009, OMIM 617300.

Submission:

Rady Children's Institute for Genomic Medicine, Rady Children's Hospital San Diego
Classification: Likely pathogenic for HYDROPS FETALIS, NONIMMUNE, AND/OR ATRIAL SEPTAL DEFECT, SUSCEPTIBILITY TO. Last evaluated: 2018-04-12. Review status: criteria provided, single submitter. Criteria: ACMG Guidelines, 2015. Collection method: clinical testing. Allele origin: germline. Affected: yes. Observed: 1 variant allele.
Comment: This variant has not been reported or functionally characterized in the literature to our knowledge. It is absent from the ExAC and gnomAD population databases. This frameshifting mutation is found in the last exon of EPHB4 and the functional effect of this variant is therefore difficult to predict. Based on the available evidence, this variant is classified as a likely pathogenic change.

NM_004444.5(EPHB4):c.2860_2861del (p.Leu954fs)

Gene: EPHB4 (EPH receptor B4; minus strand). Cytogenetic location: 7q22.1.
Variant type: Microsatellite.
Coding change: c.2860_2861del on transcript NM_004444.5 (MANE Select); coding-DNA positions 2860 to 2861, 2 bases deleted (CT; older notation c.2860_2861delCT).
Protein change: p.Leu954fs; shifts the reading frame from leucine 954.
Molecular consequence: frameshift variant.
Genome position (GRCh38, 1-based): chr7:100,803,564-100,803,565, AG deleted on the plus strand (CT on the coding strand, the reverse complement: EPHB4 is on the minus strand); deleting any 2 consecutive bases within chr7:100,803,564-100,803,567 gives the same sequence; the c. name uses the placement nearest the transcript's 3' end. VCF-style (leftmost placement, unchanged base first): chr7-100803563-CAG-C. GRCh37 (hg19) VCF-style: chr7-100401185-CAG-C.
Other names: short protein forms L954fs.
Identifiers: ClinVar variation 692019 (VCV000692019.1), dbSNP rs1584651110, ClinGen allele CA915945387.